The following is an entry in ClinVar:

ClinVar aggregate classification (germline): Likely pathogenic (1 of 4 stars; one submission).

Conditions:
Early-infantile DEE. Also called: Early infantile epileptic encephalopathy; Ohtahara syndrome; Early infantile epileptic encephalopathy with suppression bursts. Identifiers: Orphanet 1934, MedGen C0393706, MONDO:0800491.

Allele frequency attached by ClinVar (database versions not stated): gnomAD exomes below 0.00001.
gnomAD v4.1: 1 of 1,590,336 alleles (0.000063%); highest among the groups gnomAD compares: Non-Finnish European, 0.000086%; no homozygotes.

Submission:

Labcorp Genetics (formerly Invitae), Labcorp
Classification: Likely pathogenic for Early-infantile DEE. Last evaluated: 2017-12-05. Review status: criteria provided, single submitter. Criteria: Invitae Variant Classification Sherloc (09022015). Collection method: clinical testing. Allele origin: germline.
Comment: This variant is not present in population databases (ExAC no frequency). In summary, the currently available evidence indicates that the variant is pathogenic, but additional data are needed to prove that conclusively. Therefore, this variant has been classified as Likely Pathogenic. Algorithms developed to predict the effect of missense changes on protein structure and function do not agree on the potential impact of this missense change (SIFT: "Deleterious"; PolyPhen-2: "Benign"; Align-GVGD: "Class C65"). This sequence change replaces aspartic acid with glycine at codon 172 of the KCNQ2 protein (p.Asp172Gly). The aspartic acid residue is highly conserved and there is a moderate physicochemical difference between aspartic acid and glycine.

NM_172107.4(KCNQ2):c.515A>G (p.Asp172Gly)

Gene: KCNQ2 (potassium voltage-gated channel subfamily Q member 2; minus strand). Cytogenetic location: 20q13.33.
Variant type: single nucleotide variant.
Coding change: c.515A>G on transcript NM_172107.4 (MANE Select); coding-DNA position 515, A replaced by G.
Protein change: p.Asp172Gly; replaces aspartic acid 172 with glycine.
Molecular consequence: missense variant.
Genome position (GRCh38, 1-based): chr20:63,444,834, T>C on the plus strand (A>G on the coding strand, the complement: KCNQ2 is on the minus strand). VCF-style: chr20-63444834-T-C. GRCh37 (hg19) VCF-style: chr20-62076187-T-C.
Other names: c.515A>G, p.Asp172Gly (NM_004518.6, NM_172106.3, NM_172108.5 and 1 more transcripts); short protein forms D172G.
Identifiers: ClinVar variation 461422 (VCV000461422.9), dbSNP rs1555873823, ClinGen allele CA409654975.
Genomic context (GRCh38, chr20:63,444,834, plus strand): 5'-AAGACGTTGCCCTGGGAGCCGGCGGCCAGCACCGCAATGGAGGCGATGAGCACCATGATG[T>C]CTACAAAGCGGGCGTGGAGCTGGTGAGCTGCTGGGCCGCTCCCCGCACCCCCTTGGAGAA-3'
Protein context (NP_742105.1, residues 162-182): KFARKPFCVI[Asp172Gly]IMVLIASIAV